The following is an entry in ClinVar:

NM_001127701.1(SERPINA1):c.194T>C (p.Leu65Pro)

Gene: SERPINA1 (serpin family A member 1; minus strand). Cytogenetic location: 14q32.13.
Variant type: single nucleotide variant.
Coding change: c.194T>C on transcript NM_001127701.1; coding-DNA position 194, T replaced by C.
Protein change: p.Leu65Pro; replaces leucine 65 with proline.
Molecular consequence: missense variant (on NM_000295.5).
Genome position (GRCh38, 1-based): chr14:94,383,044, A>G on the plus strand (T>C on the coding strand, the complement: SERPINA1 is on the minus strand). VCF-style: chr14-94383044-A-G. GRCh37 (hg19) VCF-style: chr14-94849381-A-G.
Other names: L41P; SERPINA1, LEU41PRO ON M1V; c.194T>C, p.Leu65Pro (NM_000295.5, NM_001002235.3, NM_001002236.3 and 8 more transcripts); short protein forms L65P.
Identifiers: ClinVar variation 17971 (VCV000017971.33), dbSNP rs28931569, ClinGen allele CA127686.

ClinVar aggregate classification (germline): Pathogenic/Likely pathogenic. Review status: criteria provided, multiple submitters, no conflicts (2 of 4 stars). 14 submissions from 14 submitters: Pathogenic (4); Likely pathogenic (6). 4 of the submissions do not count toward it. Last evaluated 2025-12-22.

Conditions:
SERPINA1-related disorder. Also called: SERPINA1-related condition; SerpinA1-related disorders.
Alpha-1-antitrypsin deficiency (A1ATD). Also called: Alpha1-Antitrypsin Deficiency; AAT deficiency; A1AT deficiency. Identifiers: Orphanet 60, MedGen C0221757, MONDO:0013282, OMIM 613490.
PI M(PROCIDA).

Allele frequency attached by ClinVar (database versions not stated): TOPMed 0.00002; gnomAD 0.00003 and 0.00004; ExAC 0.00004; gnomAD exomes 0.00004 and 0.00006.

Submissions (14):

PreventionGenetics, part of Exact Sciences
Classification: Likely pathogenic for SERPINA1-related condition. Last evaluated: 2025-12-22. Review status: criteria provided, single submitter. Criteria: ACMG Guidelines, 2015. Collection method: clinical testing. Allele origin: germline.
Comment: The SERPINA1 c.194T>C variant is predicted to result in the amino acid substitution p.Leu65Pro. This variant, alternatively referred to as the M procida allele or p.Leu41Pro, has been reported with other SERPINA1 variants in multiple individuals with alpha-1-antitrypsin deficiency (see for examples, Takahashi et al. 1988. PubMed ID: 3262617; Lee et al. 1998. PubMed ID: 9635295; Prins et al. 2007. PubMed ID: 18024524). This variant is reported in 0.0093% of alleles in individuals of European (non-Finnish) descent in gnomAD. In vitro experimental studies suggest this variant may have impaired protein folding and has decreased function as an inhibitor of neutrophil elastase (Takahashi et al. 1988. PubMed ID: 3262617; Jung et al. 2004. PubMed ID: 14767073). This variant is interpreted as likely pathogenic.

3billion
Classification: Pathogenic for Alpha-1-antitrypsin deficiency. Last evaluated: 2025-10-23. Review status: criteria provided, single submitter. Criteria: ACMG Guidelines, 2015. Collection method: clinical testing. Allele origin: germline. Affected: yes.
Comment: The variant is observed at an extremely low frequency in the gnomAD v4.1.0 dataset (total allele frequency: 0.006%). Predicted Consequence/Location: Missense variant Functional studies provide supporting evidence of the variant having a damaging effect on the gene or gene product (PMID: 14767073). In silico tool predictions suggest damaging effect of the variant on gene or gene product [REVEL: 0.63 (>=0.6, sensitivity 0.68 and specificity 0.92); 3Cnet: 0.89 (> 0.75, sensitivity 0.96 and precision 0.92)]. The same nucleotide change resulting in the same amino acid change has been previously reported as pathogenic/likely pathogenic with strong evidence (ClinVar ID: VCV000017971 /PMID: 3262617). The variant has been reported to be in trans with a pathogenic variant as either compound heterozygous or homozygous in at least one similarly affected unrelated individual (PMID: 9635295). Therefore, this variant is classified as Pathogenic according to the recommendation of ACMG/AMP guideline.

Labcorp Genetics (formerly Invitae), Labcorp
Classification: Pathogenic for Alpha-1-antitrypsin deficiency. Last evaluated: 2025-10-23. Review status: criteria provided, single submitter. Criteria: Invitae Variant Classification Sherloc (09022015). Collection method: clinical testing. Allele origin: germline.
Comment: This sequence change replaces leucine, which is neutral and non-polar, with proline, which is neutral and non-polar, at codon 65 of the SERPINA1 protein (p.Leu65Pro). This variant is present in population databases (rs28931569, gnomAD 0.009%). This missense change has been observed in individual(s) with alpha 1-antitrypsin deficiency (PMID: 3262617, 9635295). In at least one individual the data is consistent with being in trans (on the opposite chromosome) from a pathogenic variant. This variant is also known as M procida and p.Leu41Pro. ClinVar contains an entry for this variant (Variation ID: 17971). Invitae Evidence Modeling of protein sequence and biophysical properties (such as structural, functional, and spatial information, amino acid conservation, physicochemical variation, residue mobility, and thermodynamic stability) indicates that this missense variant is not expected to disrupt SERPINA1 protein function with a negative predictive value of 80%. Experimental studies have shown that this missense change affects SERPINA1 function (PMID: 14767073). For these reasons, this variant has been classified as Pathogenic.

Blueprint Genetics
Classification: Pathogenic for SERPINA1-related disorders. Last evaluated: 2024-11-21. Review status: criteria provided, single submitter. Criteria: ACMG Guidelines, 2015. Collection method: clinical testing. Allele origin: germline. Affected: yes. Observed: 5 variant alleles.

Victorian Clinical Genetics Services, Murdoch Childrens Research Institute
Classification: Likely pathogenic for Alpha-1-antitrypsin deficiency. Last evaluated: 2023-07-17. Review status: criteria provided, single submitter. Criteria: ACMG Guidelines, 2015. Collection method: clinical testing. Allele origin: germline. Inheritance: Autosomal recessive inheritance.
Comment: Based on the classification scheme VCGS_Germline_v1.3.4, this variant is classified as Likely pathogenic. Following criteria are met: 0102 - Loss of function is a known mechanism of disease in this gene and is associated with alpha-1-antitrypsin deficiency (MIM#613490). (I) 0106 - This gene is associated with autosomal recessive disease. (I) 0200 - Variant is predicted to result in a missense amino acid change from leucine to proline. (I) 0251 - This variant is heterozygous. (I) 0304 - Variant is present in gnomAD <0.01 for a recessive condition (v2: 14 heterozygotes, 0 homozygotes). (SP) 0501 - Missense variant consistently predicted to be damaging by multiple in silico tools or highly conserved with a major amino acid change. (SP) 0600 - Variant is located in the annotated Serpin domain (DECIPHER). (I) 0705 - No comparable missense variants have previous evidence for pathogenicity. (I) 0801 - This variant has strong previous evidence of pathogenicity in unrelated individuals. Also known as MPorcida allele or Leu41Pro in the literature, it has been reported in alpha-1-antitrypsin deficient patients, including those who were compound heterozygotes with null alleles (PMID: 1975477, 9635295; ClinVar). (SP) 0905 - No published segregation evidence has been identified for this variant. (I) 1002 - This variant has moderate functional evidence supporting abnormal protein function. Mutant protein has been showed to have retarded protein folding and were unable to form inhibitory complexes with target protease (PMID: 14767073). (SP) 1201 - Heterozygous variant detected in trans with a second pathogenic heterozygous variant (NM_000295.4:c.559A>T; p.(Lys187*)) in a recessive disease. (I) 1208 - Inheritance information for this variant is not currently available in this individual. (I) Legend: (SP) - Supporting pathogenic, (I) - Information, (SB) - Supporting benign

Fulgent Genetics
Classification: Likely pathogenic for Alpha-1-antitrypsin deficiency. Last evaluated: 2022-01-19. Review status: criteria provided, single submitter. Criteria: ACMG Guidelines, 2015. Collection method: clinical testing. Allele origin: unknown.

Centre of Medical Genetics, University Hospital Muenster
Classification: Likely pathogenic. Last evaluated: 2021-12-05. Review status: criteria provided, single submitter. Criteria: ACMG Guidelines, 2015. Collection method: clinical testing. Allele origin: unknown. Affected: yes. Observed: 1 variant allele, 1 heterozygote.
Comment: ACMG categories: PM1,PM2,PP3,PP5

Revvity Omics, Revvity
Classification: Likely pathogenic for Alpha-1-antitrypsin deficiency. Last evaluated: 2020-04-05. Review status: criteria provided, single submitter. Criteria: ACMG Guidelines, 2015. Collection method: clinical testing. Allele origin: germline.

Mendelics
Classification: Likely pathogenic for Alpha-1-antitrypsin deficiency. Last evaluated: 2019-05-28. Review status: criteria provided, single submitter. Criteria: Mendelics Assertion Criteria 2017. Collection method: clinical testing. Allele origin: unknown.

Eurofins Ntd Llc (ga)
Classification: Pathogenic. Last evaluated: 2017-10-17. Review status: criteria provided, single submitter. Criteria: EGL Classification Definitions 2015. Collection method: clinical testing. Allele origin: germline. Observed: 1 variant allele, 1 heterozygote.

Counsyl
Classification: Likely pathogenic for Alpha-1-antitrypsin deficiency. Last evaluated: 2016-12-28. Review status: no assertion criteria provided. Collection method: clinical testing. Allele origin: unknown. Not counted in ClinVar's aggregate classification.

OMIM
Classification: other for PI M(PROCIDA). Last evaluated: 2016-07-15. Review status: no assertion criteria provided. Collection method: literature only. Allele origin: germline. Not counted in ClinVar's aggregate classification.

Department of Laboratory Medicine and Genetics, Trillium Health Partners Credit Valley Hospital
Classification: Pathogenic for Alpha-1-antitrypsin deficiency. Last evaluated: 2014-12-08. Review status: no assertion criteria provided. Collection method: curation. Allele origin: germline. Affected: yes. Not counted in ClinVar's aggregate classification.
Comment: Reduced enzyme activity

Rare deficiency allele

GeneReviews
Classification: Pathogenic for Alpha-1-antitrypsin deficiency. Last evaluated: 2014-05-01. Review status: no assertion criteria provided. Collection method: literature only. Allele origin: germline. Affected: yes. Not counted in ClinVar's aggregate classification.
Comment: Disease association: lung

Literature cited by the submitters: PubMed 9635295 (cited by 4 submitters); PubMed 3262617 (cited by 5 submitters); PubMed 14767073 (cited by 4 submitters); PubMed 1975477 (cited by Victorian Clinical Genetics Services, Murdoch Childrens Research Institute); PubMed 25391508 (cited by Counsyl); PubMed 18024524 (cited by Counsyl); PubMed 2696185 (cited by OMIM); PubMed 14985567 (cited by GeneReviews).